The following is an entry in ClinVar:

NM_000329.3(RPE65):c.91_92insAACC (p.Thr31fs)

Gene: RPE65 (retinoid isomerohydrolase RPE65; minus strand). Cytogenetic location: 1p31.3.
Variant type: Insertion.
Coding change: c.91_92insAACC on transcript NM_000329.3 (MANE Select); coding-DNA positions 91 to 92, AACC inserted.
Protein change: p.Thr31fs; shifts the reading frame from threonine 31.
Molecular consequence: frameshift variant. On other transcripts: 5 prime UTR variant (1), intron variant (1).
Genome position: GRCh38 VCF-style: chr1-68448626-G-GGGTT. GRCh37 (hg19) VCF-style: chr1-68914309-G-GGGTT.
Other names: c.91_92insAACC, p.Thr31fs (NM_001406853.1, NM_001406859.1, NM_001406860.1); c.-35_-34insAACC (NM_001406856.1); c.-183+1268_-183+1269insAACC (NM_001406857.1); short protein forms T31fs.
Identifiers: ClinVar variation 5010694 (VCV005010694.1).

ClinVar aggregate classification (germline): Pathogenic (1 of 4 stars; one submission).

Conditions:
RPE65-related recessive retinopathy. Also called: Recessive RPE65 retinopathy. Identifiers: MedGen CN305526, MONDO:0100368.

Submission:

Myriad Genetics, Inc.
Classification: Pathogenic for RPE65-related recessive retinopathy. Last evaluated: 2024-05-14. Review status: criteria provided, single submitter. Criteria: Myriad Autosomal Dominant, Autosomal Recessive and X-Linked Classification Criteria (2023). Collection method: clinical testing. Allele origin: unknown.
Comment: NM_000329.2(RPE65):c.91_92insAACC(T31Kfs*22) is expected to be pathogenic in the context of inherited retinal dystrophy, RPE65-related. This variant is predicted to lead to an abnormal or absent protein product due to the creation of a premature termination codon in RPE65, a gene where loss-of-function variants are known to be pathogenic. Please note: this variant was assessed in the context of healthy population screening.